The following is an entry in ClinVar:

ClinVar aggregate classification (germline): Uncertain significance (1 of 4 stars; one submission).

gnomAD v4.1: 2 of 1,613,730 alleles (0.00012%); highest among the groups gnomAD compares: African/African-American, 0.0013%; no homozygotes.

Submission:

Labcorp Genetics (formerly Invitae), Labcorp
Classification: Uncertain significance. Last evaluated: 2024-06-04. Review status: criteria provided, single submitter. Criteria: Invitae Variant Classification Sherloc (09022015). Collection method: clinical testing. Allele origin: germline.
Comment: This sequence change replaces alanine, which is neutral and non-polar, with serine, which is neutral and polar, at codon 1571 of the RAI1 protein (p.Ala1571Ser). This variant is not present in population databases (gnomAD no frequency). This variant has not been reported in the literature in individuals affected with RAI1-related conditions. Advanced modeling of protein sequence and biophysical properties (such as structural, functional, and spatial information, amino acid conservation, physicochemical variation, residue mobility, and thermodynamic stability) performed at Invitae indicates that this missense variant is not expected to disrupt RAI1 protein function with a negative predictive value of 80%. In summary, the available evidence is currently insufficient to determine the role of this variant in disease. Therefore, it has been classified as a Variant of Uncertain Significance.

NM_030665.4(RAI1):c.4711G>T (p.Ala1571Ser)

Gene: RAI1 (retinoic acid induced 1; plus strand). Cytogenetic location: 17p11.2.
Variant type: single nucleotide variant.
Coding change: c.4711G>T on transcript NM_030665.4 (MANE Select); coding-DNA position 4711, G replaced by T.
Protein change: p.Ala1571Ser; replaces alanine 1571 with serine.
Molecular consequence: missense variant.
Genome position (GRCh38, 1-based): chr17:17,797,659, G>T. VCF-style: chr17-17797659-G-T. GRCh37 (hg19) VCF-style: chr17-17700973-G-T.
Other names: short protein forms A1571S.
Identifiers: ClinVar variation 3706908 (VCV003706908.2).